The following is an entry in ClinVar:

NM_000059.4(BRCA2):c.5333A>G (p.Asn1778Ser)

Gene: BRCA2 (BRCA2 DNA repair associated; plus strand). Cytogenetic location: 13q13.1.
Variant type: single nucleotide variant.
Coding change: c.5333A>G on transcript NM_000059.4 (MANE Select); coding-DNA position 5333, A replaced by G.
Protein change: p.Asn1778Ser; replaces asparagine 1778 with serine.
Molecular consequence: missense variant. On other transcripts: non-coding transcript variant (1), intron variant (2).
Genome position (GRCh38, 1-based): chr13:32,339,688, A>G. VCF-style: chr13-32339688-A-G. GRCh37 (hg19) VCF-style: chr13-32913825-A-G.
Other names: c.5333A>G, p.Asn1778Ser (NM_001406719.1, NM_001406720.1); c.1910-4870A>G (NM_001406721.1); c.425-4870A>G (NM_001406722.1); short protein forms N1778S.
Identifiers: ClinVar variation 2807089 (VCV002807089.4), dbSNP rs2137516450, ClinGen allele CA387784943.

ClinVar aggregate classification (germline): Uncertain significance. Review status: criteria provided, multiple submitters, no conflicts (2 of 4 stars). 2 submissions from 2 submitters: Uncertain significance (2). Last evaluated 2024-10-07.

Conditions:
Hereditary breast ovarian cancer syndrome. Also called: Hereditary breast and ovarian cancer syndrome; Breast and ovarian cancer; BRCA1- and BRCA2-Associated Hereditary Breast and Ovarian Cancer; Hereditary breast and ovarian cancer syndrome (HBOC); Hereditary breast and/or ovarian cancer syndrome; Hereditary breast and ovarian cancer. Identifiers: Orphanet 145, MedGen C0677776, MeSH D061325, MONDO:0003582. Disease mechanism: loss of function.
Hereditary cancer-predisposing syndrome. Also called: Hereditary neoplastic syndrome; Neoplastic Syndromes, Hereditary; Hereditary Cancer Syndrome; Tumor predisposition. Identifiers: Orphanet 140162, MedGen C0027672, MeSH D009386, MONDO:0015356.

Submissions (2):

Color Diagnostics, LLC DBA Color Health
Classification: Uncertain significance for Hereditary cancer-predisposing syndrome. Last evaluated: 2024-10-07. Review status: criteria provided, single submitter. Criteria: ACMG Guidelines, 2015. Collection method: clinical testing. Allele origin: germline.
Comment: This missense variant replaces asparagine with serine at codon 1778 of the BRCA2 protein. Computational prediction suggests that this variant may not impact protein structure and function. To our knowledge, functional studies have not been reported for this variant. This variant has been detected in a breast cancer case-control meta-analysis in 1/60466 cases and 0/53461 unaffected individuals (PMID: 33471991; Leiden Open Variation Database DB-ID BRCA2_008329). This variant has not been identified in the general population by the Genome Aggregation Database (gnomAD). The available evidence is insufficient to determine the role of this variant in disease conclusively. Therefore, this variant is classified as a Variant of Uncertain Significance.

Labcorp Genetics (formerly Invitae), Labcorp
Classification: Uncertain significance for Hereditary breast ovarian cancer syndrome. Last evaluated: 2024-03-09. Review status: criteria provided, single submitter. Criteria: Invitae Variant Classification Sherloc (09022015). Collection method: clinical testing. Allele origin: germline.
Comment: This sequence change replaces asparagine, which is neutral and polar, with serine, which is neutral and polar, at codon 1778 of the BRCA2 protein (p.Asn1778Ser). This variant is not present in population databases (gnomAD no frequency). This variant has not been reported in the literature in individuals affected with BRCA2-related conditions. Advanced modeling of protein sequence and biophysical properties (such as structural, functional, and spatial information, amino acid conservation, physicochemical variation, residue mobility, and thermodynamic stability) performed at Invitae indicates that this missense variant is not expected to disrupt BRCA2 protein function with a negative predictive value of 95%. In summary, the available evidence is currently insufficient to determine the role of this variant in disease. Therefore, it has been classified as a Variant of Uncertain Significance.

Literature cited by the submitters: PubMed 33471991 (cited by Color Diagnostics, LLC DBA Color Health).